The following is an entry in ClinVar:

ClinVar aggregate classification (germline): Likely pathogenic (1 of 4 stars; one submission).

Conditions:
Methylmalonic aciduria and homocystinuria type cblF. Also called: COBALAMIN F DISEASE; COBALAMIN, DEFECT IN LYSOSOMAL RELEASE OF; METHYLMALONIC ACIDEMIA AND HOMOCYSTINURIA, cblF TYPE; METHYLMALONIC ACIDURIA DUE TO VITAMIN B12-RELEASE DEFECT; VITAMIN B12 LYSOSOMAL RELEASE DEFECT; VITAMIN B12 STORAGE DISEASE. Identifiers: Orphanet 79284, MedGen C1848578, MONDO:0010183, OMIM 277380.

gnomAD v4.1: 4 of 1,610,574 alleles (0.00025%); highest among the groups gnomAD compares: South Asian, 0.0033%; no homozygotes.

Submission:

Labcorp Genetics (formerly Invitae), Labcorp
Classification: Likely pathogenic for Methylmalonic aciduria and homocystinuria type cblF. Last evaluated: 2023-05-09. Review status: criteria provided, single submitter. Criteria: Invitae Variant Classification Sherloc (09022015). Collection method: clinical testing. Allele origin: germline.
Comment: In summary, the currently available evidence indicates that the variant is pathogenic, but additional data are needed to prove that conclusively. Therefore, this variant has been classified as Likely Pathogenic. Algorithms developed to predict the effect of sequence changes on RNA splicing suggest that this variant may disrupt the consensus splice site. ClinVar contains an entry for this variant (Variation ID: 1346115). This variant has not been reported in the literature in individuals affected with LMBRD1-related conditions. This variant is not present in population databases (gnomAD no frequency). This sequence change affects an acceptor splice site in intron 12 of the LMBRD1 gene. It is expected to disrupt RNA splicing. Variants that disrupt the donor or acceptor splice site typically lead to a loss of protein function (PMID: 16199547), and loss-of-function variants in LMBRD1 are known to be pathogenic (PMID: 19136951, 21303734).

Literature cited by the submitters: PubMed 16199547; PubMed 19136951; PubMed 21303734.

NM_018368.4(LMBRD1):c.1189-1G>A

Gene: LMBRD1 (LMBR1 domain containing 1; minus strand). Cytogenetic location: 6q13.
Variant type: single nucleotide variant.
Coding change: c.1189-1G>A on transcript NM_018368.4 (MANE Select); the canonical splice acceptor site of the intron before coding-DNA position 1189, G replaced by A.
Molecular consequence: splice acceptor variant.
Genome position (GRCh38, 1-based): chr6:69,699,193, C>T on the plus strand (G>A on the coding strand, the complement: LMBRD1 is on the minus strand). VCF-style: chr6-69699193-C-T. GRCh37 (hg19) VCF-style: chr6-70409085-C-T.
Other names: c.970-1G>A (NM_001367272.1, NM_001367271.1, NM_001363722.2).
Identifiers: ClinVar variation 1346115 (VCV001346115.8), dbSNP rs2149843526, ClinGen allele CA364664031.